The following is an entry in ClinVar:

ClinVar aggregate classification (germline): Uncertain significance. Review status: criteria provided, multiple submitters, no conflicts (2 of 4 stars). 2 submissions from 2 submitters: Uncertain significance (2). Last evaluated 2023-11-08.

gnomAD v4.1: 6 of 1,614,126 alleles (0.00037%); highest among the groups gnomAD compares: Non-Finnish European, 0.00051%; no homozygotes.

Submissions (2):

Ambry Genetics
Classification: Uncertain significance. Last evaluated: 2023-11-08. Review status: criteria provided, single submitter. Criteria: Ambry Variant Classification Scheme 2023. Collection method: clinical testing. Allele origin: germline.
Comment: The p.G1120D variant (also known as c.3359G>A), located in coding exon 28 of the A2ML1 gene, results from a G to A substitution at nucleotide position 3359. The glycine at codon 1120 is replaced by aspartic acid, an amino acid with similar properties. This amino acid position is conserved. In addition, the in silico prediction for this alteration is inconclusive. Since supporting evidence is limited at this time, the clinical significance of this alteration remains unclear.

Labcorp Genetics (formerly Invitae), Labcorp
Classification: Uncertain significance. Last evaluated: 2023-10-13. Review status: criteria provided, single submitter. Criteria: Invitae Variant Classification Sherloc (09022015). Collection method: clinical testing. Allele origin: germline.
Comment: This sequence change replaces glycine, which is neutral and non-polar, with aspartic acid, which is acidic and polar, at codon 1120 of the A2ML1 protein (p.Gly1120Asp). This variant is not present in population databases (gnomAD no frequency). This variant has not been reported in the literature in individuals affected with A2ML1-related conditions. An algorithm developed to predict the effect of missense changes on protein structure and function (PolyPhen-2) suggests that this variant is likely to be disruptive. In summary, the available evidence is currently insufficient to determine the role of this variant in disease. Therefore, it has been classified as a Variant of Uncertain Significance.

NM_144670.6(A2ML1):c.3359G>A (p.Gly1120Asp)

Gene: A2ML1 (alpha-2-macroglobulin like 1; plus strand). Cytogenetic location: 12p13.31.
Variant type: single nucleotide variant.
Coding change: c.3359G>A on transcript NM_144670.6 (MANE Select); coding-DNA position 3359, G replaced by A.
Protein change: p.Gly1120Asp; replaces glycine 1120 with aspartic acid.
Molecular consequence: missense variant.
Genome position (GRCh38, 1-based): chr12:8,861,154, G>A. VCF-style: chr12-8861154-G-A. GRCh37 (hg19) VCF-style: chr12-9013750-G-A.
Other names: c.1886G>A, p.Gly629Asp (NM_001282424.3); c.3359G>A (NM_144670.3); short protein forms G1120D, G629D.
Identifiers: ClinVar variation 2742145 (VCV002742145.4), dbSNP rs1565487733, ClinGen allele CA383840461.
Genomic context (GRCh38, chr12:8,861,154, plus strand): 5'-GGAATGCCTTATAAGTTATAGTCTTCATCTTCACTTTTTAGGACCCAATGGTGAGTCAGG[G>A]TCTACGGTGTCTCAAGAATTCGGCCACCTCCACGACCAACCTCTACACACAGGCCCTGTT-3'
Protein context (NP_653271.3, residues 1110-1130): KDVDDPMVSQ[Gly1120Asp]LRCLKNSATS